The following is an entry in ClinVar:

ClinVar aggregate classification (germline): Likely benign. Review status: criteria provided, single submitter (1 of 4 stars). 2 submissions from 2 submitters: Likely benign (1). 1 of the submissions does not count toward it. Last evaluated 2023-01-16.

Conditions:
BBS4-related disorder. Also called: BBS4-related condition.
Bardet-Biedl syndrome (BBS). Identifiers: Orphanet 110, MedGen C0752166, MONDO:0015229.

Allele frequency attached by ClinVar (database versions not stated): ExAC 0.00001; gnomAD exomes 0.00001.
gnomAD v4.1: 13 of 1,614,174 alleles (0.00081%); highest among the groups gnomAD compares: Middle Eastern, 0.016%; 1 homozygote.

Submissions (2):

Labcorp Genetics (formerly Invitae), Labcorp
Classification: Likely benign for Bardet-Biedl syndrome. Last evaluated: 2023-01-16. Review status: criteria provided, single submitter. Criteria: Invitae Variant Classification Sherloc (09022015). Collection method: clinical testing. Allele origin: germline.

PreventionGenetics, part of Exact Sciences
Classification: Likely benign for BBS4-related condition. Last evaluated: 2024-05-15. Review status: no assertion criteria provided. Collection method: clinical testing. Allele origin: germline. Not counted in ClinVar's aggregate classification.
Comment: This variant is classified as likely benign based on ACMG/AMP sequence variant interpretation guidelines (Richards et al. 2015 PMID: 25741868, with internal and published modifications).

NM_033028.5(BBS4):c.858T>C (p.Tyr286=)

Gene: BBS4 (Bardet-Biedl syndrome 4; plus strand). Cytogenetic location: 15q24.1.
Variant type: single nucleotide variant.
Coding change: c.858T>C on transcript NM_033028.5 (MANE Select); coding-DNA position 858, T replaced by C.
Protein change: p.Tyr286=; no amino-acid change (tyrosine 286 retained).
Molecular consequence: synonymous variant. On other transcripts: non-coding transcript variant (2).
Genome position (GRCh38, 1-based): chr15:72,731,451, T>C. VCF-style: chr15-72731451-T-C. GRCh37 (hg19) VCF-style: chr15-73023792-T-C.
Other names: c.342T>C, p.Tyr114= (NM_001252678.2); c.789T>C, p.Tyr263= (NM_001320665.2); c.858T>C (NM_033028.4).
Identifiers: ClinVar variation 2889752 (VCV002889752.4), dbSNP rs773048624, ClinGen allele CA7646807.